The following is an entry in ClinVar:

ClinVar aggregate classification (germline): Uncertain significance (1 of 4 stars; one submission).

Conditions:
Hereditary cancer-predisposing syndrome. Also called: Hereditary neoplastic syndrome; Neoplastic Syndromes, Hereditary; Tumor predisposition; Hereditary Cancer Syndrome. Identifiers: Orphanet 140162, MedGen C0027672, MeSH D009386, MONDO:0015356.

Submission:

Ambry Genetics
Classification: Uncertain significance for Hereditary cancer-predisposing syndrome. Last evaluated: 2025-07-03. Review status: criteria provided, single submitter. Criteria: Ambry Variant Classification Scheme 2023. Collection method: clinical testing. Allele origin: germline.
Comment: The p.E63K variant (also known as c.187G>A), located in coding exon 2 of the PDGFRA gene, results from a G to A substitution at nucleotide position 187. The glutamic acid at codon 63 is replaced by lysine, an amino acid with similar properties. This amino acid position is conserved. In addition, this alteration is predicted to be tolerated by in silico analysis. Based on the available evidence, the clinical significance of this variant remains unclear.

NM_006206.6(PDGFRA):c.187G>A (p.Glu63Lys)

Gene: PDGFRA (platelet derived growth factor receptor alpha; plus strand). Cytogenetic location: 4q12.
Variant type: single nucleotide variant.
Coding change: c.187G>A on transcript NM_006206.6 (MANE Select); coding-DNA position 187, G replaced by A.
Protein change: p.Glu63Lys; replaces glutamic acid 63 with lysine.
Molecular consequence: missense variant.
Genome position (GRCh38, 1-based): chr4:54,261,232, G>A. VCF-style: chr4-54261232-G-A. GRCh37 (hg19) VCF-style: chr4-55127399-G-A.
Other names: c.187G>A, p.Glu63Lys (NM_001347827.2, NM_001347829.2); c.262G>A, p.Glu88Lys (NM_001347828.2); c.226G>A, p.Glu76Lys (NM_001347830.2); short protein forms E63K, E88K, E76K.
Identifiers: ClinVar variation 4133989 (VCV004133989.1).
Genomic context (GRCh38, chr4:54,261,232, plus strand): 5'-TCATCCTTTTCTCTGAGATGCTTTGGGGAGAGTGAAGTGAGCTGGCAGTACCCCATGTCT[G>A]AAGAAGAGAGCTCCGATGTGGAAATCAGAAATGAAGAAAACAACAGCGGCCTTTTTGTGA-3'
Protein context (NP_006197.1, residues 53-73): SEVSWQYPMS[Glu63Lys]EESSDVEIRN